The following is an entry in ClinVar:

ClinVar aggregate classification (germline): Pathogenic (1 of 4 stars; one submission).

Conditions:
Autosomal recessive osteopetrosis 7. Identifiers: Orphanet 178389, MedGen C2676766, MONDO:0012859, OMIM 612301.

Submission:

3billion
Classification: Pathogenic for Autosomal recessive osteopetrosis 7. Last evaluated: 2025-12-31. Review status: criteria provided, single submitter. Criteria: ACMG Guidelines, 2015. Collection method: clinical testing. Allele origin: germline. Affected: yes.
Comment: The variant is not observed in the gnomAD v4.1.0 dataset. Predicted Consequence/Location: Frameshift: predicted to result in a loss or disruption of normal protein function through nonsense-mediated decay (NMD) or protein truncation. Multiple pathogenic variants are reported downstream of the variant. Therefore, this variant is classified as Pathogenic according to the recommendation of ACMG/AMP guideline.

NM_003839.4(TNFRSF11A):c.864_878delinsTACTTCT (p.Leu290fs)

Gene: TNFRSF11A (TNF receptor superfamily member 11a; plus strand). Cytogenetic location: 18q21.33.
Variant type: Indel.
Coding change: c.864_878delinsTACTTCT on transcript NM_003839.4 (MANE Select); coding-DNA positions 864 to 878, GACTCTGGAGGAGAA replaced by TACTTCT.
Protein change: p.Leu290fs; shifts the reading frame from leucine 290.
Molecular consequence: frameshift variant. On other transcripts: intron variant (3).
Genome position (GRCh38, 1-based): chr18:62,368,781-62,368,795, GACTCTGGAGGAGAA replaced by TACTTCT. VCF-style: chr18-62368781-GACTCTGGAGGAGAA-TACTTCT. GRCh37 (hg19) VCF-style: chr18-60036014-GACTCTGGAGGAGAA-TACTTCT.
Other names: c.822_836delinsTACTTCT, p.Leu276fs (NM_001278268.2); c.783+2021_783+2035delinsTACTTCT (NM_001270949.2); c.730+6988_730+7002delinsTACTTCT (NM_001270950.2); c.616+8732_616+8746delinsTACTTCT (NM_001270951.2); short protein forms L276fs, L290fs.
Identifiers: ClinVar variation 4856179 (VCV004856179.1).